The following is an entry in ClinVar:

ClinVar aggregate classification (germline): Pathogenic. Review status: criteria provided, multiple submitters, no conflicts (2 of 4 stars). 2 submissions from 2 submitters: Pathogenic (2). Last evaluated 2025-07-22.

Conditions:
Asphyxiating thoracic dystrophy 3. Also called: SHORT-RIB THORACIC DYSPLASIA 3 WITH OR WITHOUT POLYDACTYLY; POLYDACTYLY WITH NEONATAL CHONDRODYSTROPHY, TYPE I; Short rib polydactyly syndrome 2B; Saldino-Noonan Syndrome; SHORT-RIB THORACIC DYSPLASIA 3/6 WITH POLYDACTYLY, DIGENIC. Identifiers: Orphanet 474, Orphanet 93269, Orphanet 93270, Orphanet 93271, MedGen C0036069, MONDO:0013127, OMIM 613091.

Submissions (2):

Myriad Genetics, Inc.
Classification: Pathogenic for Asphyxiating thoracic dystrophy 3. Last evaluated: 2025-07-22. Review status: criteria provided, single submitter. Criteria: Myriad Autosomal Dominant, Autosomal Recessive and X-Linked Classification Criteria (2023). Collection method: clinical testing. Allele origin: unknown.
Comment: NM_001377.2(DYNC2H1):c.5242G>T(E1748*) is expected to be pathogenic in the context of DYNC2H1-related disorders. This variant is predicted to lead to an abnormal or absent protein product due to the creation of a premature termination codon in DYNC2H1, a gene where loss-of-function variants are known to be pathogenic. Please note: this variant was assessed in the context of healthy population screening.

Juno Genomics, Hangzhou Juno Genomics, Inc
Classification: Pathogenic for Asphyxiating thoracic dystrophy 3. Review status: criteria provided, single submitter. Criteria: ACMG Guidelines, 2015. Collection method: clinical testing. Allele origin: germline. Affected: yes.
Comment: Absent from controls (or at extremely low frequency if recessive) in Genome Aggregation Database, Exome Sequencing Project, 1000 Genomes Project, or Exome Aggregation Consortium.;Null variant in a gene where loss of function (LOF) is a known mechanism of disease.;Patient's phenotype or family history is highly specific for a disease with a single genetic etiology.

NM_001377.3(DYNC2H1):c.5242G>T (p.Glu1748Ter)

Gene: DYNC2H1 (dynein cytoplasmic 2 heavy chain 1; plus strand). Cytogenetic location: 11q22.3.
Variant type: single nucleotide variant.
Coding change: c.5242G>T on transcript NM_001377.3 (MANE Select); coding-DNA position 5242, G replaced by T.
Protein change: p.Glu1748Ter; replaces glutamic acid 1748 with a stop codon.
Molecular consequence: nonsense.
Genome position (GRCh38, 1-based): chr11:103,170,976, G>T. VCF-style: chr11-103170976-G-T. GRCh37 (hg19) VCF-style: chr11-103041705-G-T.
Other names: c.5242G>T, p.Glu1748Ter (NM_001080463.2); short protein forms E1748*.
Identifiers: ClinVar variation 4796606 (VCV004796606.2).